The following is an entry in ClinVar:

NM_198576.4(AGRN):c.3673C>T (p.Arg1225Trp)

Gene: AGRN (agrin; plus strand). Cytogenetic location: 1p36.33.
Variant type: single nucleotide variant.
Coding change: c.3673C>T on transcript NM_198576.4 (MANE Select); coding-DNA position 3673, C replaced by T.
Protein change: p.Arg1225Trp; replaces arginine 1225 with tryptophan.
Molecular consequence: missense variant.
Genome position (GRCh38, 1-based): chr1:1,047,817, C>T. VCF-style: chr1-1047817-C-T. GRCh37 (hg19) VCF-style: chr1-983197-C-T.
Other names: c.3673C>T, p.Arg1225Trp (NM_001305275.2); c.3358C>T, p.Arg1120Trp (NM_001364727.2); short protein forms R1225W, R1120W.
Identifiers: ClinVar variation 959742 (VCV000959742.4), dbSNP rs754771889, ClinGen allele CA509185.

ClinVar aggregate classification (germline): Uncertain significance (1 of 4 stars; one submission).

Conditions:
Congenital myasthenic syndrome 8. Also called: MYASTHENIC SYNDROME, CONGENITAL, DUE TO AGRIN DEFICIENCY; Myasthenic syndrome, congenital, 8, with pre- and postsynaptic defects. Identifiers: Orphanet 590, MedGen C3808739, MONDO:0014052, OMIM 615120.

Allele frequency attached by ClinVar (database versions not stated): gnomAD exomes 0.00003 and 0.00006; ExAC 0.00005; gnomAD 0.00006 and 0.00007; TOPMed 0.00006.
gnomAD v4.1: 98 of 1,603,206 alleles (0.0061%); highest among the groups gnomAD compares: African/African-American, 0.011%; no homozygotes.

Submission:

Labcorp Genetics (formerly Invitae), Labcorp
Classification: Uncertain significance for Congenital myasthenic syndrome 8. Last evaluated: 2022-03-01. Review status: criteria provided, single submitter. Criteria: Invitae Variant Classification Sherloc (09022015). Collection method: clinical testing. Allele origin: germline.
Comment: This sequence change replaces arginine, which is basic and polar, with tryptophan, which is neutral and slightly polar, at codon 1225 of the AGRN protein (p.Arg1225Trp). This variant is present in population databases (rs754771889, gnomAD 0.01%). This variant has not been reported in the literature in individuals affected with AGRN-related conditions. ClinVar contains an entry for this variant (Variation ID: 959742). Algorithms developed to predict the effect of missense changes on protein structure and function are either unavailable or do not agree on the potential impact of this missense change (SIFT: "Tolerated"; PolyPhen-2: "Probably Damaging"; Align-GVGD: "Class C0"). In summary, the available evidence is currently insufficient to determine the role of this variant in disease. Therefore, it has been classified as a Variant of Uncertain Significance.